The following is an entry in ClinVar:

NM_001025356.3(ANO6):c.1766A>G (p.Lys589Arg)

Gene: ANO6 (anoctamin 6; plus strand). Cytogenetic location: 12q12.
Variant type: single nucleotide variant.
Coding change: c.1766A>G on transcript NM_001025356.3 (MANE Select); coding-DNA position 1766, A replaced by G.
Protein change: p.Lys589Arg; replaces lysine 589 with arginine.
Molecular consequence: missense variant.
Genome position (GRCh38, 1-based): chr12:45,403,225, A>G. VCF-style: chr12-45403225-A-G. GRCh37 (hg19) VCF-style: chr12-45797008-A-G.
Other names: c.1712A>G, p.Lys571Arg (NM_001142678.2); c.1766A>G, p.Lys589Arg (NM_001142679.2); c.1829A>G, p.Lys610Arg (NM_001204803.2); c.1733A>G, p.Lys578Arg (NM_001410973.1); short protein forms K571R, K589R, K610R, K578R.
Identifiers: ClinVar variation 2186557 (VCV002186557.1), dbSNP rs758631777, ClinGen allele CA6525422.

ClinVar aggregate classification (germline): Uncertain significance (1 of 4 stars; one submission).

Allele frequency attached by ClinVar (database versions not stated): gnomAD 0.00001; ExAC 0.00002; gnomAD exomes 0.00002; TOPMed 0.00004.
gnomAD v4.1: 24 of 1,613,790 alleles (0.0015%); highest among the groups gnomAD compares: Admixed American, 0.0067%; no homozygotes.

Submission:

Labcorp Genetics (formerly Invitae), Labcorp
Classification: Uncertain significance. Last evaluated: 2022-08-22. Review status: criteria provided, single submitter. Criteria: Invitae Variant Classification Sherloc (09022015). Collection method: clinical testing. Allele origin: germline.
Comment: This sequence change replaces lysine, which is basic and polar, with arginine, which is basic and polar, at codon 589 of the ANO6 protein (p.Lys589Arg). This variant is present in population databases (rs758631777, gnomAD 0.01%). This variant has not been reported in the literature in individuals affected with ANO6-related conditions. Advanced modeling of protein sequence and biophysical properties (such as structural, functional, and spatial information, amino acid conservation, physicochemical variation, residue mobility, and thermodynamic stability) performed at Invitae indicates that this missense variant is not expected to disrupt ANO6 protein function. In summary, the available evidence is currently insufficient to determine the role of this variant in disease. Therefore, it has been classified as a Variant of Uncertain Significance.